The following is an entry in ClinVar:

NM_000140.5(FECH):c.665G>A (p.Ser222Asn)

Gene: FECH (ferrochelatase; minus strand). Cytogenetic location: 18q21.31.
Variant type: single nucleotide variant.
Coding change: c.665G>A on transcript NM_000140.5 (MANE Select); coding-DNA position 665, G replaced by A.
Protein change: p.Ser222Asn; replaces serine 222 with asparagine.
Molecular consequence: missense variant.
Genome position (GRCh38, 1-based): chr18:57,562,914, C>T on the plus strand (G>A on the coding strand, the complement: FECH is on the minus strand). VCF-style: chr18-57562914-C-T. GRCh37 (hg19) VCF-style: chr18-55230146-C-T.
Other names: c.683G>A, p.Ser228Asn (NM_001012515.4); c.665G>A, p.Ser222Asn (NM_001371094.1, NM_001374778.1); c.449G>A, p.Ser150Asn (NM_001371095.1); short protein forms S150N, S222N, S228N.
Identifiers: ClinVar variation 1480773 (VCV001480773.8), dbSNP rs2122284610, ClinGen allele CA402535911.

ClinVar aggregate classification (germline): Uncertain significance (1 of 4 stars; one submission).

Submission:

Labcorp Genetics (formerly Invitae), Labcorp
Classification: Uncertain significance. Last evaluated: 2021-01-18. Review status: criteria provided, single submitter. Criteria: Invitae Variant Classification Sherloc (09022015). Collection method: clinical testing. Allele origin: germline.
Comment: Experimental studies have shown that this variant affects FECH protein function (PMID: 22591014). In summary, the available evidence is currently insufficient to determine the role of this variant in disease. Therefore, it has been classified as a Variant of Uncertain Significance. This variant has been observed in individual(s) with erythropoietic protoporphyria (PMID: 22591014, Invitae). This sequence change replaces serine with asparagine at codon 222 of the FECH protein (p.Ser222Asn). The serine residue is highly conserved and there is a small physicochemical difference between serine and asparagine. This variant is not present in population databases (ExAC no frequency).

Literature cited by the submitters: PubMed 22591014.